The following is an entry in ClinVar:

NM_000543.5(SMPD1):c.1340+12A>T

Gene: SMPD1 (sphingomyelin phosphodiesterase 1; plus strand). Cytogenetic location: 11p15.4.
Variant type: single nucleotide variant.
Coding change: c.1340+12A>T on transcript NM_000543.5 (MANE Select); 12 bases into the intron after coding-DNA position 1340, A replaced by T.
Molecular consequence: intron variant.
Genome position (GRCh38, 1-based): chr11:6,393,705, A>T. VCF-style: chr11-6393705-A-T. GRCh37 (hg19) VCF-style: chr11-6414935-A-T.
Other names: p.?; c.419+12A>T (NM_001318088.2); c.1208+12A>T (NM_001365135.2); c.1340+12A>T (NM_001318087.2); c.1337+12A>T (NM_001007593.3).
Identifiers: ClinVar variation 305204 (VCV000305204.14), dbSNP rs140221837, ClinGen allele CA5852860.

ClinVar aggregate classification (germline): Conflicting classifications of pathogenicity. Review status: criteria provided, conflicting classifications (1 of 4 stars). 4 submissions from 4 submitters: Uncertain significance (1); Benign (1); Likely benign (2). Last evaluated 2026-01-29.

Conditions:
Niemann-Pick disease, type B. Also called: Chronic Visceral ASMD (Niemann-Pick Disease Type B; NPD-B). Identifiers: Orphanet 77293, MedGen C0268243, MONDO:0011871, OMIM 607616. Disease mechanism: loss of function.
Niemann-Pick disease, type A. Also called: Infantile Neurovisceral ASMD (Niemann-Pick Disease Type A; NPD-A); SPHINGOMYELIN LIPIDOSIS; SPHINGOMYELINASE DEFICIENCY. Identifiers: Orphanet 77292, MedGen C0268242, MONDO:0009756, OMIM 257200. Disease mechanism: loss of function.

Allele frequency attached by ClinVar (database versions not stated): gnomAD exomes 0.00008 and 0.00017; ExAC 0.00021; ESP Exome Variant Server 0.00031; gnomAD 0.00068 and 0.00069; TOPMed 0.00101; 1000 Genomes Project 30x 0.00187; 1000 Genomes Project 0.00200.
gnomAD v4.1: 240 of 1,610,814 alleles (0.015%); highest among the groups gnomAD compares: African/African-American, 0.19%; 1 homozygote.

Submissions (4):

Labcorp Genetics (formerly Invitae), Labcorp
Classification: Benign for Niemann-Pick disease, type B; Niemann-Pick disease, type A. Last evaluated: 2026-01-29. Review status: criteria provided, single submitter. Criteria: Invitae Variant Classification Sherloc (09022015). Collection method: clinical testing. Allele origin: germline.

Mayo Clinic Laboratories, Mayo Clinic
Classification: Likely benign. Last evaluated: 2025-03-04. Review status: criteria provided, single submitter. Criteria: ACMG Guidelines, 2015. Collection method: clinical testing. Allele origin: germline. Observed: 2 variant alleles.
Comment: BP4, BP7

Blueprint Genetics
Classification: Likely benign. Last evaluated: 2024-10-08. Review status: criteria provided, single submitter. Criteria: ACMG Guidelines, 2015. Collection method: clinical testing. Allele origin: germline.

Illumina Laboratory Services, Illumina
Classification: Uncertain significance for Niemann-Pick disease, type A. Last evaluated: 2018-01-12. Review status: criteria provided, single submitter. Criteria: ICSL Variant Classification Criteria 13 December 2019. Collection method: clinical testing. Allele origin: germline.